The following is an entry in ClinVar:

ClinVar aggregate classification (germline): Pathogenic. Review status: criteria provided, multiple submitters, no conflicts (2 of 4 stars). 11 submissions from 11 submitters: Pathogenic (10). 1 of the submissions does not count toward it. Last evaluated 2026-02-23.

Conditions:
Sanfilippo syndrome. Also called: Mucopolysaccharidosis type 3; Sanfilippo disease; Mucopolysaccharidosis Type III. Identifiers: Orphanet 581, MedGen C0026706, MONDO:0018937.
HGSNAT-related disorders.
HGSNAT-related disorder. Also called: HGSNAT-related condition.
Retinitis pigmentosa 73 (RP73). Identifiers: Orphanet 791, MedGen C4225287, MONDO:0014687, OMIM 616544.
Mucopolysaccharidosis, MPS-III-C (MPS3C). Also called: MPS IIIC (Sanfilippo Syndrome Type C); MUCOPOLYSACCHARIDOSIS, TYPE IIIC; SANFILIPPO SYNDROME C; Mucopolysaccharidosis type IIIC (Sanfilippo C); MPS III C; mucopolysaccharidosis type 3C. Identifiers: Orphanet 581, Orphanet 79271, MedGen C0086649, MONDO:0009657, OMIM 252930.
Inborn genetic diseases. Identifiers: MedGen C0950123, MeSH D030342.

Allele frequency attached by ClinVar (database versions not stated): TOPMed 0.00011; gnomAD exomes 0.00002 and 0.00004; gnomAD 0.00013; ExAC 0.00003; 1000 Genomes Project 30x 0.00016; 1000 Genomes Project 0.00020.
gnomAD v4.1: 45 of 1,612,570 alleles (0.0028%); highest among the groups gnomAD compares: African/African-American, 0.043%; no homozygotes.

Submissions (11):

PreventionGenetics, part of Exact Sciences
Classification: Pathogenic for HGSNAT-related condition. Last evaluated: 2026-02-23. Review status: criteria provided, single submitter. Criteria: ACMG Guidelines, 2015. Collection method: clinical testing. Allele origin: germline.
Comment: The HGSNAT c.493+1G>A variant is predicted to disrupt the GT donor site and interfere with normal splicing. This variant has been reported, often in the homozygous state, in individuals with mucopolysaccharidosis IIIC (reported as c.577+1G>A, Hrebícek et al. 2006. PubMed ID: 17033958; Table S1, Maddirevula et al. 2020. PubMed ID: 32552793; Almenabawy et al. 2023. PubMed ID: 37596900). This variant is present in 0.041% of alleles in individuals of African descent in gnomAD. Variants that disrupt the consensus splice donor site in HGSNAT are expected to be pathogenic. This variant is interpreted as pathogenic.

Natera, Inc.
Classification: Pathogenic for Mucopolysaccharidosis type IIIC. Last evaluated: 2025-12-31. Review status: criteria provided, single submitter. Criteria: Natera Variant Classification Schema (03/2026). Collection method: clinical testing. Allele origin: germline.
Comment: The c.493+1G>A variant in HGSNAT is a canonical splice donor site variant predicted to affect pre-mRNA splicing, which may result in an abnormal transcript and altered protein product. This variant is expected to result in nonsense mediated decay, truncation, or a dysfunctional protein product. This variant is rare in the general population with a frequency below the threshold expected for the associated phenotype(s). This variant has been observed in one or more individuals affected with the associated recessive disease, as either homozygous or compound heterozygous with a second variant (PMID: 16960811). Given the available evidence, this variant is classified as Pathogenic.

Variantyx, Inc.
Classification: Pathogenic for Mucopolysaccharidosis, MPS-III-C. Last evaluated: 2025-12-28. Review status: criteria provided, single submitter. Criteria: Variantyx Assertion Criteria 2022. Collection method: clinical testing. Allele origin: germline. Inheritance: Autosomal recessive inheritance. Affected: no.
Comment: This is a canonical splicing variant in the HGSNAT gene (OMIM: 610453). Pathogenic variants in this gene have been associated with autosomal recessive mucopolysaccharidosis type IIIC. This splicing variant is expected to result in loss of function, which is a known disease mechanism for HGSNAT in this disorder (PMID: 17033958) (PVS1). This variant has been identified in the homozygous or compound heterozygous state in several individuals reported in the published literature (PMID: 17033958, 16960811, 37596900) (PM3) and has a 0.0427% maximum allele frequency in non-founder control populations (PM2). Based on the current evidence, this variant is classified as pathogenic for autosomal recessive mucopolysaccharidosis type IIIC.

Labcorp Genetics (formerly Invitae), Labcorp
Classification: Pathogenic for Retinitis pigmentosa 73; Mucopolysaccharidosis, MPS-III-C. Last evaluated: 2025-08-24. Review status: criteria provided, single submitter. Criteria: Invitae Variant Classification Sherloc (09022015). Collection method: clinical testing. Allele origin: germline.
Comment: This sequence change affects a donor splice site in intron 4 of the HGSNAT gene. It is expected to disrupt RNA splicing. Variants that disrupt the donor or acceptor splice site typically lead to a loss of protein function (PMID: 16199547), and loss-of-function variants in HGSNAT are known to be pathogenic (PMID: 17033958, 19479962, 25859010). This variant is present in population databases (rs193066451, gnomAD 0.04%). Disruption of this splice site has been observed in individuals with mucopolysaccharidosis type III (PMID: 16960811, 17033958). This variant is also known as c.577+1G>A, p.P193HfsX20. ClinVar contains an entry for this variant (Variation ID: 1230). Algorithms developed to predict the effect of sequence changes on RNA splicing suggest that this variant may disrupt the consensus splice site. For these reasons, this variant has been classified as Pathogenic.

GeneDx
Classification: Pathogenic. Last evaluated: 2025-08-11. Review status: criteria provided, single submitter. Criteria: GeneDx Variant Classification Process June 2021. Collection method: clinical testing. Allele origin: germline.
Comment: Considered a recurrent variant observed in the African, Canadian, and Singaporean populations (PMID: 31228227); Canonical splice site variant predicted to result in a null allele in a gene for which loss of function is a known mechanism of disease; This variant is associated with the following publications: (PMID: 16960811, 17033958, 25525159, 32552793, 31589614, 31228227, 38425718, 31964843, 37596900)

Blueprint Genetics
Classification: Pathogenic for HGSNAT-related disorders. Last evaluated: 2023-11-07. Review status: criteria provided, single submitter. Criteria: ACMG Guidelines, 2015. Collection method: clinical testing. Allele origin: germline. Affected: yes. Observed: 5 variant alleles.

Ambry Genetics
Classification: Pathogenic for Inborn genetic diseases. Last evaluated: 2022-01-31. Review status: criteria provided, single submitter. Criteria: Ambry Variant Classification Scheme 2023. Collection method: clinical testing. Allele origin: germline.
Comment: The c.493+1G>A intronic variant results from a G to A substitution one nucleotide after coding exon 4 of the HGSNAT gene. Alterations that disrupt the canonical splice site are expected to cause aberrant splicing, resulting in an abnormal protein or a transcript that is subject to nonsense-mediated mRNA decay. Based on data from gnomAD, the A allele has an overall frequency of 0.01% (14/279402) of total alleles studied. The highest observed frequency was 0.04% (10/24170) of African alleles. This mutation has been reported in the homozygous and compound heterozygous state in individuals with mucopolysaccharidosis type IIIC (Hreb&iacute;cek, 2006; Fan, 2006). In silico splice site analysis predicts that this alteration will weaken the native splice donor site and will result in the creation or strengthening of a novel splice donor site. Based on the available evidence, this alteration is classified as pathogenic.

Myriad Genetics, Inc.
Classification: Pathogenic for Mucopolysaccharidosis, MPS-III-C. Last evaluated: 2021-11-10. Review status: criteria provided, single submitter. Criteria: Myriad Women's Health Autosomal Recessive and X-Linked Classification Criteria (2021). Collection method: clinical testing. Allele origin: unknown.
Comment: NM_152419.2(HGSNAT):c.493+1G>A is a canonical splice variant classified as pathogenic in the context of mucopolysaccharidosis type IIIC. c.493+1G>A has been observed in cases with relevant disease (PMID: 16960811, 31228227). Functional assessments of this variant are not available in the literature. c.493+1G>A has been observed in population frequency databases (gnomAD: AFR 0.04%). In summary, NM_152419.2(HGSNAT):c.493+1G>A is a canonical splice variant in a gene where loss of function is a known mechanism of disease, is predicted to disrupt protein function, and has been observed more frequently in cases with the relevant disease than in healthy populations. Please note: this variant was assessed in the context of healthy population screening.

Fulgent Genetics
Classification: Pathogenic for Mucopolysaccharidosis, MPS-III-C; Retinitis pigmentosa 73. Last evaluated: 2018-10-31. Review status: criteria provided, single submitter. Criteria: ACMG Guidelines, 2015. Collection method: clinical testing. Allele origin: unknown.

Women's Health and Genetics/Laboratory Corporation of America, LabCorp
Classification: Pathogenic for Sanfilippo syndrome. Last evaluated: 2018-08-13. Review status: criteria provided, single submitter. Criteria: LabCorp Variant Classification Summary - May 2015. Collection method: clinical testing. Allele origin: germline.
Comment: Variant summary: HGSNAT c.493+1G>A is located in a canonical splice-site and is predicted to affect mRNA splicing resulting in a significantly altered protein due to either exon skipping, shortening, or inclusion of intronic material. Several computational tools predict a significant impact on normal splicing: Four predict the variant abolishes a 5 splicing donor site. At least one publication reports experimental evidence that this variant affects mRNA splicing. The variant allele was found at a frequency of 4.7e-05 in 276088 control chromosomes (gnomAD). This frequency is not significantly higher than expected for a pathogenic variant in HGSNAT causing Mucopolysaccharidosis Type IIIC (Sanfilippo Syndrome C) (4.7e-05 vs 0.001), allowing no conclusion about variant significance. c.493+1G>A has been reported in the literature in multiple individuals affected with Mucopolysaccharidosis Type IIIC (Sanfilippo Syndrome C) (Fan_2006, Hrebicek_2006). These data indicate that the variant is very likely to be associated with disease. To our knowledge, no experimental evidence demonstrating an impact on protein function has been reported. A ClinVar submission from another clinical diagnostic laboratory (evaluation after 2014) cites the variant as "pathogenic." Based on the evidence outlined above, the variant was classified as pathogenic.

OMIM
Classification: Pathogenic for MUCOPOLYSACCHARIDOSIS, TYPE IIIC. Last evaluated: 2006-10-01. Review status: no assertion criteria provided. Collection method: literature only. Allele origin: germline. Not counted in ClinVar's aggregate classification.

Literature cited by the submitters: PubMed 16960811 (cited by 7 submitters); PubMed 17033958 (cited by 4 submitters); PubMed 37596900 (cited by Variantyx, Inc.); PubMed 16199547 (cited by Labcorp Genetics (formerly Invitae), Labcorp); PubMed 19479962 (cited by Labcorp Genetics (formerly Invitae), Labcorp); PubMed 25859010 (cited by Labcorp Genetics (formerly Invitae), Labcorp); PubMed 31228227 (cited by Myriad Genetics, Inc.).

NM_152419.3(HGSNAT):c.493+1G>A

Gene: HGSNAT (heparan-alpha-glucosaminide N-acetyltransferase; plus strand). Cytogenetic location: 8p11.21.
Variant type: single nucleotide variant.
Coding change: c.493+1G>A on transcript NM_152419.3 (MANE Select); the canonical splice donor site of the intron after coding-DNA position 493, G replaced by A.
Molecular consequence: splice donor variant.
Genome position (GRCh38, 1-based): chr8:43,159,045, G>A. VCF-style: chr8-43159045-G-A. GRCh37 (hg19) VCF-style: chr8-43014188-G-A.
Other names: IVS4, G-A, +1; c.493+1G>A (NM_001363227.2, NM_001363228.2); c.-341+1G>A (NM_001363229.2).
Identifiers: ClinVar variation 1230 (VCV000001230.20), dbSNP rs193066451, ClinGen allele CA114861.